The following is an entry in ClinVar:

ClinVar aggregate classification (germline): Likely benign. Review status: criteria provided, multiple submitters, no conflicts (2 of 4 stars). 3 submissions from 3 submitters: Likely benign (3). Last evaluated 2025-01-11.

Allele frequency attached by ClinVar (database versions not stated): gnomAD 0.00001; gnomAD exomes 0.00001; TOPMed 0.00001.
gnomAD v4.1: 11 of 1,601,938 alleles (0.00069%); highest among the groups gnomAD compares: South Asian, 0.0011%; no homozygotes.

Submissions (3):

Labcorp Genetics (formerly Invitae), Labcorp
Classification: Likely benign. Last evaluated: 2025-01-11. Review status: criteria provided, single submitter. Criteria: Invitae Variant Classification Sherloc (09022015). Collection method: clinical testing. Allele origin: germline.

CeGaT Center for Human Genetics Tuebingen
Classification: Likely benign. Last evaluated: 2024-04-01. Review status: criteria provided, single submitter. Criteria: CeGaT Center For Human Genetics Tuebingen Variant Classification Criteria Version 2. Collection method: clinical testing. Allele origin: germline. Affected: yes. Observed: 1 variant allele.
Comment: RUSC2: BP4, BP7

Blueprint Genetics
Classification: Likely benign. Last evaluated: 2023-05-09. Review status: criteria provided, single submitter. Criteria: ACMG Guidelines, 2015. Collection method: clinical testing. Allele origin: germline.

NM_014806.5(RUSC2):c.351G>A (p.Leu117=)

Gene: RUSC2 (RUN and SH3 domain containing 2; plus strand). Cytogenetic location: 9p13.3.
Variant type: single nucleotide variant.
Coding change: c.351G>A on transcript NM_014806.5 (MANE Select); coding-DNA position 351, G replaced by A.
Protein change: p.Leu117=; no amino-acid change (leucine 117 retained).
Molecular consequence: synonymous variant. On other transcripts: non-coding transcript variant (1), intron variant (1).
Genome position (GRCh38, 1-based): chr9:35,546,872, G>A. VCF-style: chr9-35546872-G-A. GRCh37 (hg19) VCF-style: chr9-35546869-G-A.
Other names: c.351G>A, p.Leu117= (NM_001135999.2); c.-620-8188G>A (NM_001330740.2).
Identifiers: ClinVar variation 1630367 (VCV001630367.29), dbSNP rs1247116211, ClinGen allele CA464605600.